The following is an entry in ClinVar:

NM_001035.3(RYR2):c.4668G>T (p.Glu1556Asp)

Gene: RYR2 (ryanodine receptor 2; plus strand). Cytogenetic location: 1q43.
Variant type: single nucleotide variant.
Coding change: c.4668G>T on transcript NM_001035.3 (MANE Select); coding-DNA position 4668, G replaced by T.
Protein change: p.Glu1556Asp; replaces glutamic acid 1556 with aspartic acid.
Molecular consequence: missense variant.
Genome position (GRCh38, 1-based): chr1:237,602,096, G>T. VCF-style: chr1-237602096-G-T. GRCh37 (hg19) VCF-style: chr1-237765396-G-T.
Other names: c.4668G>T (NM_001035.2); short protein forms E1556D.
Identifiers: ClinVar variation 927614 (VCV000927614.7), dbSNP rs370332700, ClinGen allele CA345401680.

ClinVar aggregate classification (germline): Uncertain significance. Review status: criteria provided, multiple submitters, no conflicts (2 of 4 stars). 3 submissions from 3 submitters: Uncertain significance (3). Last evaluated 2025-08-19.

Conditions:
Cardiomyopathy (CMYO). Also called: Cardiomyopathies. Identifiers: Orphanet 167848, MedGen C0878544, MONDO:0004994, HP:0001638. Inheritance: Various modes of inheritance.
Catecholaminergic polymorphic ventricular tachycardia 1. Also called: VENTRICULAR TACHYCARDIA, CATECHOLAMINERGIC POLYMORPHIC, 1, WITH OR WITHOUT ATRIAL DYSFUNCTION AND/OR DILATED CARDIOMYOPATHY; VENTRICULAR TACHYCARDIA, STRESS-INDUCED POLYMORPHIC 1; RYR2-Related Catecholaminergic Polymorphic Ventricular Tachycardia. Identifiers: Orphanet 3286, MedGen C1631597, MONDO:0011484, OMIM 604772.
Cardiovascular phenotype. Identifiers: MedGen CN230736.

gnomAD v4.1: 6 of 1,612,442 alleles (0.00037%); highest among the groups gnomAD compares: Admixed American, 0.0067%; no homozygotes.

Submissions (3):

Ambry Genetics
Classification: Uncertain significance for Cardiovascular phenotype. Last evaluated: 2025-08-19. Review status: criteria provided, single submitter. Criteria: Ambry Variant Classification Scheme 2023. Collection method: clinical testing. Allele origin: germline.
Comment: The p.E1556D variant (also known as c.4668G>T), located in coding exon 35 of the RYR2 gene, results from a G to T substitution at nucleotide position 4668. The glutamic acid at codon 1556 is replaced by aspartic acid, an amino acid with highly similar properties. This amino acid position is highly conserved in available vertebrate species. In addition, this alteration is predicted to be tolerated by in silico analysis. Based on the available evidence, the clinical significance of this variant remains unclear.

Labcorp Genetics (formerly Invitae), Labcorp
Classification: Uncertain significance for Catecholaminergic polymorphic ventricular tachycardia 1. Last evaluated: 2023-12-13. Review status: criteria provided, single submitter. Criteria: Invitae Variant Classification Sherloc (09022015). Collection method: clinical testing. Allele origin: germline.
Comment: This sequence change replaces glutamic acid, which is acidic and polar, with aspartic acid, which is acidic and polar, at codon 1556 of the RYR2 protein (p.Glu1556Asp). This variant is present in population databases (no rsID available, gnomAD 0.009%). This variant has not been reported in the literature in individuals affected with RYR2-related conditions. ClinVar contains an entry for this variant (Variation ID: 927614). Advanced modeling of protein sequence and biophysical properties (such as structural, functional, and spatial information, amino acid conservation, physicochemical variation, residue mobility, and thermodynamic stability) performed at Invitae indicates that this missense variant is not expected to disrupt RYR2 protein function with a negative predictive value of 95%. In summary, the available evidence is currently insufficient to determine the role of this variant in disease. Therefore, it has been classified as a Variant of Uncertain Significance.

Color Diagnostics, LLC DBA Color Health
Classification: Uncertain significance for Cardiomyopathy. Last evaluated: 2023-12-04. Review status: criteria provided, single submitter. Criteria: ACMG Guidelines, 2015. Collection method: clinical testing. Allele origin: germline.
Comment: This missense variant replaces glutamic acid with aspartic acid at codon 1556 of the RYR2 protein. Computational prediction tools and conservation analyses are inconclusive regarding the impact of this variant on the protein function. Computational splicing tools suggest that this variant may not impact RNA splicing. To our knowledge, functional assays have not been performed for this variant nor has this variant been reported in individuals affected with cardiovascular disorders in the literature. This variant has been identified in 4/248010 chromosomes in the general population by the Genome Aggregation Database (gnomAD). Available evidence is insufficient to determine the role of this variant in disease conclusively. Therefore, this variant is classified as a Variant of Uncertain Significance.